The following is an entry in ClinVar:

NM_004104.5(FASN):c.2187G>A (p.Thr729=)

Gene: FASN (fatty acid synthase; minus strand). Cytogenetic location: 17q25.3.
Variant type: single nucleotide variant.
Coding change: c.2187G>A on transcript NM_004104.5 (MANE Select); coding-DNA position 2187, G replaced by A.
Protein change: p.Thr729=; no amino-acid change (threonine 729 retained).
Molecular consequence: synonymous variant.
Genome position (GRCh38, 1-based): chr17:82,089,086, C>T on the plus strand (G>A on the coding strand, the complement: FASN is on the minus strand). VCF-style: chr17-82089086-C-T. GRCh37 (hg19) VCF-style: chr17-80046962-C-T.
Identifiers: ClinVar variation 462019 (VCV000462019.15), dbSNP rs17848930, ClinGen allele CA8852874.

ClinVar aggregate classification (germline): Benign. Review status: criteria provided, multiple submitters, no conflicts (2 of 4 stars). 3 submissions from 3 submitters: Benign (2). 1 of the submissions does not count toward it. Last evaluated 2026-01-28.

Conditions:
FASN-related disorder. Also called: FASN-related condition.
Epileptic encephalopathy. Identifiers: MedGen C0543888, HP:0200134.

Allele frequency attached by ClinVar (database versions not stated): gnomAD exomes 0.00370; ExAC 0.00722; gnomAD 0.01630; 1000 Genomes Project 0.01797; TOPMed 0.01805; ESP Exome Variant Server 0.01866; 1000 Genomes Project 30x 0.02030.
gnomAD v4.1: 5,004 of 1,578,226 alleles (0.32%); highest among the groups gnomAD compares: African/African-American, 5.7%; 139 homozygotes.

Submissions (3):

Labcorp Genetics (formerly Invitae), Labcorp
Classification: Benign for Epileptic encephalopathy. Last evaluated: 2026-01-28. Review status: criteria provided, single submitter. Criteria: Invitae Variant Classification Sherloc (09022015). Collection method: clinical testing. Allele origin: germline.

Breakthrough Genomics
Classification: Benign. Review status: criteria provided, single submitter. Criteria: ACMG Guidelines, 2015. Collection method: not provided. Allele origin: germline. Inheritance: Unknown mechanism. Affected: yes.

PreventionGenetics, part of Exact Sciences
Classification: Benign for FASN-related condition. Last evaluated: 2019-04-17. Review status: no assertion criteria provided. Collection method: clinical testing. Allele origin: germline. Not counted in ClinVar's aggregate classification.
Comment: This variant is classified as benign based on ACMG/AMP sequence variant interpretation guidelines (Richards et al. 2015 PMID: 25741868, with internal and published modifications).